The following is an entry in ClinVar:

NM_018671.5(UNC45A):c.1546A>G (p.Lys516Glu)

Gene: UNC45A (unc-45 myosin chaperone A; plus strand). Cytogenetic location: 15q26.1.
Variant type: single nucleotide variant.
Coding change: c.1546A>G on transcript NM_018671.5 (MANE Select); coding-DNA position 1546, A replaced by G.
Protein change: p.Lys516Glu; replaces lysine 516 with glutamic acid.
Molecular consequence: missense variant.
Genome position (GRCh38, 1-based): chr15:90,947,841, A>G. VCF-style: chr15-90947841-A-G. GRCh37 (hg19) VCF-style: chr15-91491071-A-G.
Other names: c.1501A>G, p.Lys501Glu (NM_001039675.2, NM_001323621.2); c.1546A>G, p.Lys516Glu (NM_001323619.1); c.1111A>G, p.Lys371Glu (NM_001323620.2); short protein forms K371E, K516E, K501E.
Identifiers: ClinVar variation 1985402 (VCV001985402.4), dbSNP rs757088710, ClinGen allele CA7742952.

ClinVar aggregate classification (germline): Uncertain significance (1 of 4 stars; one submission).

Allele frequency attached by ClinVar (database versions not stated): gnomAD 0.00002; gnomAD exomes 0.00002; TOPMed 0.00002; ExAC 0.00003.
gnomAD v4.1: 17 of 1,613,996 alleles (0.0011%); highest among the groups gnomAD compares: African/African-American, 0.0013%; no homozygotes.

Submission:

Labcorp Genetics (formerly Invitae), Labcorp
Classification: Uncertain significance. Last evaluated: 2022-02-22. Review status: criteria provided, single submitter. Criteria: Invitae Variant Classification Sherloc (09022015). Collection method: clinical testing. Allele origin: germline.
Comment: This sequence change replaces lysine, which is basic and polar, with glutamic acid, which is acidic and polar, at codon 516 of the UNC45A protein (p.Lys516Glu). This variant is present in population databases (rs757088710, gnomAD 0.09%). This variant has not been reported in the literature in individuals affected with UNC45A-related conditions. Algorithms developed to predict the effect of missense changes on protein structure and function are either unavailable or do not agree on the potential impact of this missense change (SIFT: "Not Available"; PolyPhen-2: "Possibly Damaging"; Align-GVGD: "Not Available"). In summary, the available evidence is currently insufficient to determine the role of this variant in disease. Therefore, it has been classified as a Variant of Uncertain Significance.